The following is an entry in ClinVar:

NM_053281.3(DACH2):c.656C>T (p.Ala219Val)

Gene: DACH2 (dachshund family transcription factor 2; plus strand). Cytogenetic location: Xq21.2.
Variant type: single nucleotide variant.
Coding change: c.656C>T on transcript NM_053281.3 (MANE Select); coding-DNA position 656, C replaced by T.
Protein change: p.Ala219Val; replaces alanine 219 with valine.
Molecular consequence: missense variant.
Genome position (GRCh38, 1-based): chrX:86,651,051, C>T. VCF-style: chrX-86651051-C-T. GRCh37 (hg19) VCF-style: chrX-85906054-C-T.
Other names: c.617C>T, p.Ala206Val (NM_001139514.1); c.155C>T, p.Ala52Val (NM_001139515.1); short protein forms A206V, A219V, A52V.
Identifiers: ClinVar variation 2661008 (VCV002661008.25), dbSNP rs151230279, ClinGen allele CA10465839.

ClinVar aggregate classification (germline): Conflicting classifications of pathogenicity. Review status: criteria provided, conflicting classifications (1 of 4 stars). 2 submissions from 2 submitters: Uncertain significance (1); Likely benign (1). Last evaluated 2023-03-01.

Allele frequency attached by ClinVar (database versions not stated): TOPMed 0.00035; gnomAD 0.00044; ESP Exome Variant Server 0.00047; ExAC 0.00078.
gnomAD v4.1: 439 of 1,203,718 alleles (0.036%); highest among the groups gnomAD compares: Non-Finnish European, 0.025%; 2 homozygotes.

Submissions (2):

CeGaT Center for Human Genetics Tuebingen
Classification: Likely benign. Last evaluated: 2023-03-01. Review status: criteria provided, single submitter. Criteria: CeGaT Center For Human Genetics Tuebingen Variant Classification Criteria Version 2. Collection method: clinical testing. Allele origin: germline. Affected: yes. Observed: 1 variant allele.
Comment: DACH2: BS2

Ambry Genetics
Classification: Uncertain significance. Last evaluated: 2021-08-16. Review status: criteria provided, single submitter. Criteria: Ambry Variant Classification Scheme 2023. Collection method: clinical testing. Allele origin: germline.